The following is an entry in ClinVar:

NM_022356.4(P3H1):c.395T>C (p.Leu132Pro)

Gene: P3H1 (prolyl 3-hydroxylase 1; minus strand). Cytogenetic location: 1p34.2.
Variant type: single nucleotide variant.
Coding change: c.395T>C on transcript NM_022356.4 (MANE Select); coding-DNA position 395, T replaced by C.
Protein change: p.Leu132Pro; replaces leucine 132 with proline.
Molecular consequence: missense variant.
Genome position (GRCh38, 1-based): chr1:42,766,577, A>G on the plus strand (T>C on the coding strand, the complement: P3H1 is on the minus strand). VCF-style: chr1-42766577-A-G. GRCh37 (hg19) VCF-style: chr1-43232248-A-G.
Other names: c.395T>C, p.Leu132Pro (NM_001146289.2, NM_001243246.2); short protein forms L132P.
Identifiers: ClinVar variation 1487030 (VCV001487030.6), dbSNP rs951159895, ClinGen allele CA21251435.

ClinVar aggregate classification (germline): Uncertain significance (1 of 4 stars; one submission).

Conditions:
Osteogenesis imperfecta type 8 (OI8). Identifiers: MedGen C1970458, MONDO:0012581, OMIM 610915.

Allele frequency attached by ClinVar (database versions not stated): gnomAD exomes 0.00001.
gnomAD v4.1: 3 of 1,611,452 alleles (0.00019%); highest among the groups gnomAD compares: Non-Finnish European, 0.00025%; no homozygotes.

Submission:

Labcorp Genetics (formerly Invitae), Labcorp
Classification: Uncertain significance for Osteogenesis imperfecta type 8. Last evaluated: 2025-06-23. Review status: criteria provided, single submitter. Criteria: Invitae Variant Classification Sherloc (09022015). Collection method: clinical testing. Allele origin: germline.
Comment: This sequence change replaces leucine, which is neutral and non-polar, with proline, which is neutral and non-polar, at codon 132 of the P3H1 protein (p.Leu132Pro). This variant is not present in population databases (gnomAD no frequency). This variant has not been reported in the literature in individuals affected with P3H1-related conditions. ClinVar contains an entry for this variant (Variation ID: 1487030). Invitae Evidence Modeling of protein sequence and biophysical properties (such as structural, functional, and spatial information, amino acid conservation, physicochemical variation, residue mobility, and thermodynamic stability) indicates that this missense variant is not expected to disrupt P3H1 protein function with a negative predictive value of 80%. In summary, the available evidence is currently insufficient to determine the role of this variant in disease. Therefore, it has been classified as a Variant of Uncertain Significance.